The following is an entry in ClinVar:

ClinVar aggregate classification (germline): Pathogenic/Likely pathogenic. Review status: criteria provided, multiple submitters, no conflicts (2 of 4 stars). 4 submissions from 4 submitters: Pathogenic (1); Likely pathogenic (3). Last evaluated 2025-08-18.

Conditions:
Cone-rod dystrophy 2 (CORD2). Also called: CONE-ROD RETINAL DYSTROPHY; Cone-rod retinal dystrophy 2. Identifiers: Orphanet 1872, MedGen C3489532, MONDO:0007362, OMIM 120970.
Leber congenital amaurosis 7 (LCA7). Identifiers: Orphanet 65, MedGen C3151192, MONDO:0013449, OMIM 613829.
CRX-related disorders.

Submissions (4):

Labcorp Genetics (formerly Invitae), Labcorp
Classification: Pathogenic for Cone-rod dystrophy 2; Leber congenital amaurosis 7. Last evaluated: 2025-08-18. Review status: criteria provided, single submitter. Criteria: Invitae Variant Classification Sherloc (09022015). Collection method: clinical testing. Allele origin: germline.
Comment: This sequence change creates a premature translational stop signal (p.Gln256*) in the CRX gene. While this is not anticipated to result in nonsense mediated decay, it is expected to disrupt the last 44 amino acid(s) of the CRX protein. This variant is not present in population databases (gnomAD no frequency). This premature translational stop signal has been observed in individuals with autosomal dominant retinal dystrophy (PMID: 26682157, 28945142, 37734845; internal data). It has also been observed to segregate with disease in related individuals. ClinVar contains an entry for this variant (Variation ID: 861103). For these reasons, this variant has been classified as Pathogenic.

3billion
Classification: Likely pathogenic for Cone-rod dystrophy 2. Last evaluated: 2024-10-15. Review status: criteria provided, single submitter. Criteria: ACMG Guidelines, 2015. Collection method: clinical testing. Allele origin: germline. Affected: yes.
Comment: The variant is not observed in the gnomAD v4.1.0 dataset. Predicted Consequence/Location: Stop-gained (nonsense): predicted to result in a loss or disruption of normal protein function through protein truncation. The predicted truncated protein may be shortened by more than 10%. The variant has been reported at least twice as pathogenic without evidence for the classification (ClinVar ID: VCV000861103 /PMID: 26682157). Therefore, this variant is classified as Likely pathogenic according to the recommendation of ACMG/AMP guideline.

Mendelics
Classification: Likely pathogenic for Cone-rod dystrophy 2. Last evaluated: 2022-05-04. Review status: criteria provided, single submitter. Criteria: Mendelics Assertion Criteria 2019. Collection method: clinical testing. Allele origin: germline.

Blueprint Genetics
Classification: Likely pathogenic for CRX-related disorders. Last evaluated: 2021-06-03. Review status: criteria provided, single submitter. Criteria: ACMG Guidelines, 2015. Collection method: clinical testing. Allele origin: germline. Affected: yes. Observed: 1 variant allele.

Literature cited by the submitters: PubMed 26682157 (cited by Labcorp Genetics (formerly Invitae), Labcorp and 3billion); PubMed 28945142 (cited by Labcorp Genetics (formerly Invitae), Labcorp); PubMed 37734845 (cited by Labcorp Genetics (formerly Invitae), Labcorp).

NM_000554.6(CRX):c.766C>T (p.Gln256Ter)

Gene: CRX (cone-rod homeobox; plus strand). Cytogenetic location: 19q13.33.
Variant type: single nucleotide variant.
Coding change: c.766C>T on transcript NM_000554.6 (MANE Select); coding-DNA position 766, C replaced by T.
Protein change: p.Gln256Ter; replaces glutamine 256 with a stop codon.
Molecular consequence: nonsense.
Genome position (GRCh38, 1-based): chr19:47,839,833, C>T. VCF-style: chr19-47839833-C-T. GRCh37 (hg19) VCF-style: chr19-48343090-C-T.
Other names: short protein forms Q256*.
Identifiers: ClinVar variation 861103 (VCV000861103.12), dbSNP rs1968173024, ClinGen allele CA406631742.